The following is an entry in ClinVar:

ClinVar aggregate classification (germline): Uncertain significance (1 of 4 stars; one submission).

Submission:

GeneDx
Classification: Uncertain significance. Last evaluated: 2024-03-20. Review status: criteria provided, single submitter. Criteria: GeneDx Variant Classification Process June 2021. Collection method: clinical testing. Allele origin: germline. Affected: yes.
Comment: Not observed at significant frequency in large population cohorts (gnomAD); In silico analysis supports that this missense variant has a deleterious effect on protein structure/function; Has not been previously published as pathogenic or benign to our knowledge

NM_015884.4(MBTPS2):c.1556G>C (p.Arg519Pro)

Gene: MBTPS2 (membrane bound transcription factor peptidase, site 2; plus strand). Cytogenetic location: Xp22.12.
Variant type: single nucleotide variant.
Coding change: c.1556G>C on transcript NM_015884.4 (MANE Select); coding-DNA position 1556, G replaced by C.
Protein change: p.Arg519Pro; replaces arginine 519 with proline.
Molecular consequence: missense variant.
Genome position (GRCh38, 1-based): chrX:21,882,651, G>C. VCF-style: chrX-21882651-G-C. GRCh37 (hg19) VCF-style: chrX-21900769-G-C.
Other names: short protein forms R519P.
Identifiers: ClinVar variation 1315084 (VCV001315084.3), dbSNP rs906734941, ClinGen allele CA412570895.
Genomic context (GRCh38, chrX:21,882,651, plus strand): 5'-TGGGTGGCAGTGTACTTTTGGCTGCCAATGTGACCCTGGGACTCTGGATGGTTACAGCAC[G>C]GTAATGTTTGCACTCATCTGACAGAATCCCTGAGTTACAGTATACAGCTATGTGGTAATA-3'
Protein context (NP_056968.1, residues 509-519): VTLGLWMVTA[Arg519Pro]